The following is an entry in ClinVar:

NM_000091.5(COL4A3):c.*1165G>A

Genes: COL4A3 (collagen type IV alpha 3 chain; plus strand), MFF-DT (MFF divergent transcript; minus strand). Cytogenetic location: 2q36.3.
Variant type: single nucleotide variant.
Coding change: c.*1165G>A on transcript NM_000091.5 (MANE Select); 1165 bases downstream of the stop codon, G replaced by A.
Molecular consequence: 3 prime UTR variant.
Genome position (GRCh38, 1-based): chr2:227,313,035, G>A. VCF-style: chr2-227313035-G-A. GRCh37 (hg19) VCF-style: chr2-228177751-G-A.
Identifiers: ClinVar variation 334808 (VCV000334808.6), dbSNP rs28554165, ClinGen allele CA10614454.

ClinVar aggregate classification (germline): Benign. Review status: criteria provided, multiple submitters, no conflicts (2 of 4 stars). 2 submissions from 2 submitters: Benign (2). Last evaluated 2018-01-12.

Conditions:
Alport syndrome. Also called: Hemorrhagic familial nephritis; Hemorrhagic hereditary nephritis; Congenital hereditary hematuria. Identifiers: Orphanet 63, MedGen C1567741, MONDO:0018965.

Allele frequency attached by ClinVar (database versions not stated): 1000 Genomes Project 30x 0.26499; 1000 Genomes Project 0.26897; TOPMed 0.27078; gnomAD exomes 0.32282.
gnomAD v4.1: 43,509 of 152,234 alleles (29%); highest among the groups gnomAD compares: South Asian, 46%; 7,037 homozygotes.

Submissions (2):

Illumina Laboratory Services, Illumina
Classification: Benign for Alport syndrome. Last evaluated: 2018-01-12. Review status: criteria provided, single submitter. Criteria: ICSL Variant Classification Criteria 13 December 2019. Collection method: clinical testing. Allele origin: germline.
Comment: This variant was observed in the ICSL laboratory as part of a predisposition screen in an ostensibly healthy population. It had not been previously curated by ICSL or reported in the Human Gene Mutation Database (HGMD: prior to June 1st, 2018), and was therefore a candidate for classification through an automated scoring system. Utilizing variant allele frequency, disease prevalence and penetrance estimates, and inheritance mode, an automated score was calculated to assess if this variant is too frequent to cause the disease. Based on the score and internal cut-off values, a variant classified as benign is not then subjected to further curation. The score for this variant resulted in a classification of benign for this disease.

Breakthrough Genomics
Classification: Benign. Review status: criteria provided, single submitter. Criteria: ACMG Guidelines, 2015. Collection method: not provided. Allele origin: germline. Inheritance: Autosomal recessive inheritance. Affected: yes.